The following is an entry in ClinVar:

ClinVar aggregate classification (germline): Uncertain significance. Review status: criteria provided, multiple submitters, no conflicts (2 of 4 stars). 2 submissions from 2 submitters: Uncertain significance (2). Last evaluated 2026-06-23.

Conditions:
TRPC5-related disorder. Also called: TRPC5-related condition.

Allele frequency attached by ClinVar (database versions not stated): ExAC 0.00003; gnomAD 0.00006; TOPMed 0.00006; gnomAD exomes 0.00010; ESP Exome Variant Server 0.00019.
gnomAD v4.1: 123 of 1,210,162 alleles (0.01%); highest among the groups gnomAD compares: Non-Finnish European, 0.013%; no homozygotes.

Submissions (2):

PreventionGenetics, part of Exact Sciences
Classification: Uncertain significance for TRPC5-related condition. Last evaluated: 2026-06-23. Review status: criteria provided, single submitter. Criteria: ACMG Guidelines, 2015. Collection method: clinical testing. Allele origin: germline.
Comment: The TRPC5 c.2651C>T variant is predicted to result in the amino acid substitution p.Ser884Phe. To our knowledge, this variant has not been reported in the literature. This variant is reported in 0.0076% of alleles in individuals of African descent in gnomAD. At this time, the clinical significance of this variant is uncertain due to the absence of conclusive functional and genetic evidence.

Ambry Genetics
Classification: Uncertain significance. Last evaluated: 2023-03-01. Review status: criteria provided, single submitter. Criteria: Ambry Variant Classification Scheme 2023. Collection method: clinical testing. Allele origin: germline.

NM_012471.3(TRPC5):c.2651C>T (p.Ser884Phe)

Gene: TRPC5 (transient receptor potential cation channel subfamily C member 5; minus strand). Cytogenetic location: Xq23.
Variant type: single nucleotide variant.
Coding change: c.2651C>T on transcript NM_012471.3 (MANE Select); coding-DNA position 2651, C replaced by T.
Protein change: p.Ser884Phe; replaces serine 884 with phenylalanine.
Molecular consequence: missense variant.
Genome position (GRCh38, 1-based): chrX:111,776,584, G>A on the plus strand (C>T on the coding strand, the complement: TRPC5 is on the minus strand). VCF-style: chrX-111776584-G-A. GRCh37 (hg19) VCF-style: chrX-111019812-G-A.
Other names: short protein forms S884F.
Identifiers: ClinVar variation 2458669 (VCV002458669.3), dbSNP rs370637682, ClinGen allele CA10494131.